The following is an entry in ClinVar:

ClinVar aggregate classification (germline): Uncertain significance (1 of 4 stars; one submission).

Submission:

Labcorp Genetics (formerly Invitae), Labcorp
Classification: Uncertain significance. Last evaluated: 2025-03-13. Review status: criteria provided, single submitter. Criteria: Invitae Variant Classification Sherloc (09022015). Collection method: clinical testing. Allele origin: germline.
Comment: This sequence change replaces aspartic acid, which is acidic and polar, with asparagine, which is neutral and polar, at codon 767 of the MSH3 protein (p.Asp767Asn). This variant is not present in population databases (gnomAD no frequency). This variant has not been reported in the literature in individuals affected with MSH3-related conditions. An algorithm developed to predict the effect of missense changes on protein structure and function (PolyPhen-2) suggests that this variant is likely to be disruptive. In summary, the available evidence is currently insufficient to determine the role of this variant in disease. Therefore, it has been classified as a Variant of Uncertain Significance.

NM_002439.5(MSH3):c.2299G>A (p.Asp767Asn)

Gene: MSH3 (mutS homolog 3; plus strand). Cytogenetic location: 5q14.1.
Variant type: single nucleotide variant.
Coding change: c.2299G>A on transcript NM_002439.5 (MANE Select); coding-DNA position 2299, G replaced by A.
Protein change: p.Asp767Asn; replaces aspartic acid 767 with asparagine.
Molecular consequence: missense variant.
Genome position (GRCh38, 1-based): chr5:80,775,739, G>A. VCF-style: chr5-80775739-G-A. GRCh37 (hg19) VCF-style: chr5-80071558-G-A.
Other names: short protein forms D767N.
Identifiers: ClinVar variation 4715055 (VCV004715055.1).
Genomic context (GRCh38, chr5:80,775,739, plus strand): 5'-TTGTATTTGTTTTAGTTTATGATAGAAATAAAGAACTCTGCTGTATCTTGTATACCAACT[G>A]ATTGGGTAAAGGTTGGAAGGTAGGTTTAAAATAAATTTTTTTCTTACAATGCATTATGAT-3'
Protein context (NP_002430.3, residues 757-777): KNSAVSCIPT[Asp767Asn]WVKVGSTKAV